The following is an entry in ClinVar:

NM_000051.4(ATM):c.2934T>C (p.Ser978=)

Gene: ATM (ATM serine/threonine kinase; plus strand). Cytogenetic location: 11q22.3.
Variant type: single nucleotide variant.
Coding change: c.2934T>C on transcript NM_000051.4 (MANE Select); coding-DNA position 2934, T replaced by C.
Protein change: p.Ser978=; no amino-acid change (serine 978 retained).
Molecular consequence: synonymous variant.
Genome position (GRCh38, 1-based): chr11:108,271,263, T>C. VCF-style: chr11-108271263-T-C. GRCh37 (hg19) VCF-style: chr11-108141990-T-C.
Other names: c.2934T>C, p.Ser978= (NM_001351834.2).
Identifiers: ClinVar variation 1797855 (VCV001797855.3), dbSNP rs368678134, ClinGen allele CA476674264.

ClinVar aggregate classification (germline): Benign/Likely benign. Review status: criteria provided, multiple submitters, no conflicts (2 of 4 stars). 2 submissions from 2 submitters: Benign (1); Likely benign (1). Last evaluated 2024-05-10.

Conditions:
Hereditary cancer-predisposing syndrome. Also called: Neoplastic Syndromes, Hereditary; Tumor predisposition; Hereditary Cancer Syndrome; Hereditary neoplastic syndrome. Identifiers: Orphanet 140162, MedGen C0027672, MeSH D009386, MONDO:0015356.
Familial cancer of breast. Also called: BREAST CANCER, FAMILIAL; Hereditary breast cancer; hereditary breast carcinoma. Identifiers: Orphanet 227535, MedGen C0346153, MONDO:0016419, OMIM 114480. Disease mechanism: loss of function.

Submissions (2):

Myriad Genetics, Inc.
Classification: Benign for Familial cancer of breast. Last evaluated: 2024-05-10. Review status: criteria provided, single submitter. Criteria: Myriad Autosomal Dominant, Autosomal Recessive and X-Linked Classification Criteria (2023). Collection method: clinical testing. Allele origin: unknown.
Comment: This variant is considered benign. This variant is a silent/synonymous amino acid change and it is not expected to impact splicing.

Ambry Genetics
Classification: Likely benign for Hereditary cancer-predisposing syndrome. Last evaluated: 2019-04-16. Review status: criteria provided, single submitter. Criteria: Ambry Variant Classification Scheme 2023. Collection method: clinical testing. Allele origin: germline.